The following is an entry in ClinVar:

NM_007214.5(SEC63):c.*3502C>T

Gene: SEC63 (SEC63 homolog, protein translocation regulator; minus strand). Cytogenetic location: 6q21.
Variant type: single nucleotide variant.
Coding change: c.*3502C>T on transcript NM_007214.5 (MANE Select); 3502 bases downstream of the stop codon, C replaced by T.
Molecular consequence: 3 prime UTR variant.
Genome position (GRCh38, 1-based): chr6:107,868,202, G>A on the plus strand (C>T on the coding strand, the complement: SEC63 is on the minus strand). VCF-style: chr6-107868202-G-A. GRCh37 (hg19) VCF-style: chr6-108189406-G-A.
Identifiers: ClinVar variation 354815 (VCV000354815.5), dbSNP rs181941841, ClinGen allele CA10621132.

ClinVar aggregate classification (germline): Benign (1 of 4 stars; one submission).

Conditions:
Polycystic liver disease 2 (PCLD2). Also called: Polycystic liver disease 2 with or without kidney cysts. Identifiers: Orphanet 2924, MedGen C4310769, MONDO:0014860, OMIM 617004.

Allele frequency attached by ClinVar (database versions not stated): 1000 Genomes Project 0.00080; 1000 Genomes Project 30x 0.00078; gnomAD 0.00130 and 0.00138; TOPMed 0.00117.

Submission:

Illumina Laboratory Services, Illumina
Classification: Benign for Polycystic liver disease 2. Last evaluated: 2018-01-13. Review status: criteria provided, single submitter. Criteria: ICSL Variant Classification Criteria 13 December 2019. Collection method: clinical testing. Allele origin: germline.
Comment: This variant was observed in the ICSL laboratory as part of a predisposition screen in an ostensibly healthy population. It had not been previously curated by ICSL or reported in the Human Gene Mutation Database (HGMD: prior to June 1st, 2018), and was therefore a candidate for classification through an automated scoring system. Utilizing variant allele frequency, disease prevalence and penetrance estimates, and inheritance mode, an automated score was calculated to assess if this variant is too frequent to cause the disease. Based on the score and internal cut-off values, a variant classified as benign is not then subjected to further curation. The score for this variant resulted in a classification of benign for this disease.